The following is an entry in ClinVar:

NM_005228.5(EGFR):c.2160C>A (p.Ser720=)

Gene: EGFR (epidermal growth factor receptor; plus strand). Cytogenetic location: 7p11.2.
Variant type: single nucleotide variant.
Coding change: c.2160C>A on transcript NM_005228.5 (MANE Select); coding-DNA position 2160, C replaced by A.
Protein change: p.Ser720=; no amino-acid change (serine 720 retained).
Molecular consequence: synonymous variant.
Genome position (GRCh38, 1-based): chr7:55,174,019, C>A. VCF-style: chr7-55174019-C-A. GRCh37 (hg19) VCF-style: chr7-55241712-C-A.
Other names: c.2025C>A, p.Ser675= (NM_001346897.2, NM_001346899.2); c.2160C>A, p.Ser720= (NM_001346898.2); c.2001C>A, p.Ser667= (NM_001346900.2); c.1359C>A, p.Ser453= (NM_001346941.2).
Identifiers: ClinVar variation 3773259 (VCV003773259.1).

ClinVar aggregate classification (germline): Benign (1 of 4 stars; one submission).

Conditions:
Lung cancer. Also called: Lung cancer, somatic; Malignant tumor of lung. Identifiers: MedGen C0242379, MONDO:0008903, OMIM 211980.

Submission:

Myriad Genetics, Inc.
Classification: Benign for Lung cancer. Last evaluated: 2024-10-16. Review status: criteria provided, single submitter. Criteria: Myriad Autosomal Dominant, Autosomal Recessive and X-Linked Classification Criteria (2023). Collection method: clinical testing. Allele origin: unknown.
Comment: This variant is considered benign. This variant is a silent/synonymous amino acid change and it is not expected to impact splicing.